The following is an entry in ClinVar:

NM_000057.4(BLM):c.4021G>A (p.Ala1341Thr)

Gene: BLM (BLM RecQ like helicase; plus strand). Cytogenetic location: 15q26.1.
Variant type: single nucleotide variant.
Coding change: c.4021G>A on transcript NM_000057.4 (MANE Select); coding-DNA position 4021, G replaced by A.
Protein change: p.Ala1341Thr; replaces alanine 1341 with threonine.
Molecular consequence: missense variant.
Genome position (GRCh38, 1-based): chr15:90,811,351, G>A. VCF-style: chr15-90811351-G-A. GRCh37 (hg19) VCF-style: chr15-91354581-G-A.
Other names: c.4021G>A, p.Ala1341Thr (NM_001287246.2); c.3628G>A, p.Ala1210Thr (NM_001287247.2); c.2896G>A, p.Ala966Thr (NM_001287248.2); short protein forms A1210T, A1341T, A966T.
Identifiers: ClinVar variation 3711809 (VCV003711809.2).

ClinVar aggregate classification (germline): Uncertain significance (1 of 4 stars; one submission).

Conditions:
Bloom syndrome (BLM). Also called: Bloom-Torre-Machacek syndrome. Identifiers: Orphanet 125, MedGen C0005859, MONDO:0008876, OMIM 210900.

Submission:

Labcorp Genetics (formerly Invitae), Labcorp
Classification: Uncertain significance for Bloom syndrome. Last evaluated: 2025-01-17. Review status: criteria provided, single submitter. Criteria: Invitae Variant Classification Sherloc (09022015). Collection method: clinical testing. Allele origin: germline.
Comment: This sequence change replaces alanine, which is neutral and non-polar, with threonine, which is neutral and polar, at codon 1341 of the BLM protein (p.Ala1341Thr). This variant is not present in population databases (gnomAD no frequency). This variant has not been reported in the literature in individuals affected with BLM-related conditions. Invitae Evidence Modeling of protein sequence and biophysical properties (such as structural, functional, and spatial information, amino acid conservation, physicochemical variation, residue mobility, and thermodynamic stability) indicates that this missense variant is not expected to disrupt BLM protein function with a negative predictive value of 80%. In summary, the available evidence is currently insufficient to determine the role of this variant in disease. Therefore, it has been classified as a Variant of Uncertain Significance.